The following is an entry in ClinVar:

NM_001242896.3(DEPDC5):c.2899G>A (p.Asp967Asn)

Gene: DEPDC5 (DEP domain containing 5, GATOR1 subcomplex subunit; plus strand). Cytogenetic location: 22q12.3.
Variant type: single nucleotide variant.
Coding change: c.2899G>A on transcript NM_001242896.3 (MANE Select); coding-DNA position 2899, G replaced by A.
Protein change: p.Asp967Asn; replaces aspartic acid 967 with asparagine.
Molecular consequence: missense variant. On other transcripts: non-coding transcript variant (5).
Genome position (GRCh38, 1-based): chr22:31,845,115, G>A. VCF-style: chr22-31845115-G-A. GRCh37 (hg19) VCF-style: chr22-32241101-G-A.
Other names: c.2872G>A, p.Asp958Asn (NM_001136029.4, NM_001369903.1, NM_014662.6); c.2665G>A, p.Asp889Asn (NM_001242897.2, NM_001363854.2, NM_001364319.2); c.2899G>A, p.Asp967Asn (NM_001363852.2, NM_001364318.2, NM_001364320.2); c.2815G>A, p.Asp939Asn (NM_001369901.1, NM_001369902.1); short protein forms D967N, D939N, D889N, D958N.
Identifiers: ClinVar variation 3081749 (VCV003081749.4), dbSNP rs1223250924, ClinGen allele CA411291174.

ClinVar aggregate classification (germline): Conflicting classifications of pathogenicity. Review status: criteria provided, conflicting classifications (1 of 4 stars). 3 submissions from 3 submitters: Uncertain significance (2); Likely benign (1). Last evaluated 2025-07-08.

Conditions:
Familial focal epilepsy with variable foci (FPEVF). Identifiers: Orphanet 98820, MedGen C1858477, MONDO:0020310.
Inborn genetic diseases. Identifiers: MedGen C0950123, MeSH D030342.

Allele frequency attached by ClinVar (database versions not stated): gnomAD exomes 0.00001; gnomAD 0.00001; TOPMed below 0.00001.
gnomAD v4.1: 19 of 1,614,030 alleles (0.0012%); highest among the groups gnomAD compares: East Asian, 0.0067%; no homozygotes.

Submissions (3):

GeneDx
Classification: Uncertain significance. Last evaluated: 2025-07-08. Review status: criteria provided, single submitter. Criteria: GeneDx Variant Classification Process June 2021. Collection method: clinical testing. Allele origin: germline. Affected: yes.
Comment: In silico analysis supports that this missense variant has a deleterious effect on protein structure/function; This variant is associated with the following publications: (PMID: Salomone2023[ReviewPaper], 28170089, 30093711)

Labcorp Genetics (formerly Invitae), Labcorp
Classification: Uncertain significance for Familial focal epilepsy with variable foci. Last evaluated: 2025-04-11. Review status: criteria provided, single submitter. Criteria: Invitae Variant Classification Sherloc (09022015). Collection method: clinical testing. Allele origin: germline.
Comment: This sequence change replaces aspartic acid, which is acidic and polar, with asparagine, which is neutral and polar, at codon 967 of the DEPDC5 protein (p.Asp967Asn). This variant is present in population databases (no rsID available, gnomAD 0.005%). This missense change has been observed in individual(s) with focal epilepsy (PMID: 28170089). ClinVar contains an entry for this variant (Variation ID: 3081749). Experimental studies and prediction algorithms are not available or were not evaluated, and the functional significance of this variant is currently unknown. In summary, the available evidence is currently insufficient to determine the role of this variant in disease. Therefore, it has been classified as a Variant of Uncertain Significance.

Ambry Genetics
Classification: Likely benign for Inborn genetic diseases. Last evaluated: 2024-03-04. Review status: criteria provided, single submitter. Criteria: Ambry Variant Classification Scheme 2023. Collection method: clinical testing. Allele origin: germline.

Literature cited by the submitters: PubMed 28170089 (cited by Labcorp Genetics (formerly Invitae), Labcorp).